The following is an entry in ClinVar:

ClinVar aggregate classification (germline): Pathogenic (1 of 4 stars; one submission).

Conditions:
Hereditary cancer-predisposing syndrome. Also called: Hereditary Cancer Syndrome; Hereditary neoplastic syndrome; Tumor predisposition; Neoplastic Syndromes, Hereditary. Identifiers: Orphanet 140162, MedGen C0027672, MeSH D009386, MONDO:0015356.

Submission:

Ambry Genetics
Classification: Pathogenic for Hereditary cancer-predisposing syndrome. Last evaluated: 2022-06-07. Review status: criteria provided, single submitter. Criteria: Ambry Variant Classification Scheme 2023. Collection method: clinical testing. Allele origin: germline.
Comment: The p.L769* pathogenic mutation (also known as c.2306T>A), located in coding exon 15 of the CDH1 gene, results from a T to A substitution at nucleotide position 2306. This changes the amino acid from a leucine to a stop codon within coding exon 15. This alteration is expected to result in loss of function by premature protein truncation or nonsense-mediated mRNA decay. As such, this alteration is interpreted as a disease-causing mutation.

NM_004360.5(CDH1):c.2306T>A (p.Leu769Ter)

Gene: CDH1 (cadherin 1; plus strand). Cytogenetic location: 16q22.1.
Variant type: single nucleotide variant.
Coding change: c.2306T>A on transcript NM_004360.5 (MANE Select); coding-DNA position 2306, T replaced by A.
Protein change: p.Leu769Ter; replaces leucine 769 with a stop codon.
Molecular consequence: nonsense.
Genome position (GRCh38, 1-based): chr16:68,829,664, T>A. VCF-style: chr16-68829664-T-A. GRCh37 (hg19) VCF-style: chr16-68863567-T-A.
Other names: c.2123T>A, p.Leu708Ter (NM_001317184.2); c.758T>A, p.Leu253Ter (NM_001317185.2); c.341T>A, p.Leu114Ter (NM_001317186.2); short protein forms L114*, L708*, L253*, L769*.
Identifiers: ClinVar variation 1789362 (VCV001789362.2), dbSNP rs1961424109, ClinGen allele CA396470776.